The following is an entry in ClinVar:

NM_001267550.2(TTN):c.3917T>G (p.Met1306Arg)

Genes: TTN (titin; minus strand), LOC101927055 (uncharacterized LOC101927055; plus strand). Cytogenetic location: 2q31.2.
Variant type: single nucleotide variant.
Coding change: c.3917T>G on transcript NM_001267550.2 (MANE Select); coding-DNA position 3917, T replaced by G.
Protein change: p.Met1306Arg; replaces methionine 1306 with arginine.
Molecular consequence: missense variant.
Genome position (GRCh38, 1-based): chr2:178,779,275, A>C on the plus strand (T>G on the coding strand, the complement: TTN is on the minus strand). VCF-style: chr2-178779275-A-C. GRCh37 (hg19) VCF-style: chr2-179644002-A-C.
Other names: c.3917T>G, p.Met1306Arg (NM_001256850.1, NM_133378.4, NM_133379.5); c.3779T>G, p.Met1260Arg (NM_003319.4, NM_133432.3, NM_133437.4); short protein forms M1260R, M1306R.
Identifiers: ClinVar variation 5002268 (VCV005002268.1).

ClinVar aggregate classification (germline): Uncertain significance (1 of 4 stars; one submission).

Conditions:
TTN-related disorder. Also called: TTN-related condition; TTN-related disease; TTN-related disorders.

Submission:

PreventionGenetics, part of Exact Sciences
Classification: Uncertain significance for TTN-related condition. Last evaluated: 2025-05-27. Review status: criteria provided, single submitter. Criteria: ACMG Guidelines, 2015. Collection method: clinical testing. Allele origin: germline.
Comment: The TTN c.3917T>G variant is predicted to result in the amino acid substitution p.Met1306Arg. To our knowledge, this variant has not been reported in the literature or in a large population database (gnomAD), indicating this variant is rare. At this time, the clinical significance of this variant is uncertain due to the absence of conclusive functional and genetic evidence.